The following is an entry in ClinVar:

NM_176787.5(PIGN):c.2463_2464del (p.Phe822fs)

Gene: PIGN (phosphatidylinositol glycan anchor biosynthesis class N; minus strand). Cytogenetic location: 18q21.33.
Variant type: Microsatellite.
Coding change: c.2463_2464del on transcript NM_176787.5 (MANE Select); coding-DNA positions 2463 to 2464, 2 bases deleted (GT; older notation c.2463_2464delGT).
Protein change: p.Phe822fs; shifts the reading frame from phenylalanine 822.
Molecular consequence: frameshift variant.
Genome position (GRCh38, 1-based): chr18:62,084,569-62,084,570, AC deleted on the plus strand (GT on the coding strand, the reverse complement: PIGN is on the minus strand); deleting any 2 consecutive bases within chr18:62,084,569-62,084,573 gives the same sequence; the c. name uses the placement nearest the transcript's 3' end. VCF-style (leftmost placement, unchanged base first): chr18-62084568-AAC-A. GRCh37 (hg19) VCF-style: chr18-59751801-AAC-A.
Other names: c.2463_2464del, p.Phe822fs (NM_012327.6); short protein forms F822fs.
Identifiers: ClinVar variation 2704083 (VCV002704083.3), dbSNP rs2512421362, ClinGen allele CA2697555564.

ClinVar aggregate classification (germline): Pathogenic (1 of 4 stars; one submission).

Conditions:
Multiple congenital anomalies-hypotonia-seizures syndrome 1 (MCAHS1). Also called: Congenital disorder of glycosylation due to PIGN deficiency; PIGN-CDG; GLYCOSYLPHOSPHATIDYLINOSITOL BIOSYNTHESIS DEFECT 3. Identifiers: Orphanet 280633, MedGen C3279775, MONDO:0013563, OMIM 614080.

Submission:

Labcorp Genetics (formerly Invitae), Labcorp
Classification: Pathogenic for Multiple congenital anomalies-hypotonia-seizures syndrome 1. Last evaluated: 2023-12-19. Review status: criteria provided, single submitter. Criteria: Invitae Variant Classification Sherloc (09022015). Collection method: clinical testing. Allele origin: germline.
Comment: This sequence change creates a premature translational stop signal (p.Phe822Glnfs*25) in the PIGN gene. It is expected to result in an absent or disrupted protein product. Loss-of-function variants in PIGN are known to be pathogenic (PMID: 24253414, 27038415). This variant is not present in population databases (gnomAD no frequency). This variant has not been reported in the literature in individuals affected with PIGN-related conditions. For these reasons, this variant has been classified as Pathogenic.

Literature cited by the submitters: PubMed 24253414; PubMed 27038415.